The following is an entry in ClinVar:

ClinVar aggregate classification (germline): Uncertain significance (1 of 4 stars; one submission).

Conditions:
Hereditary cancer-predisposing syndrome. Also called: Neoplastic Syndromes, Hereditary; Tumor predisposition; Hereditary neoplastic syndrome; Hereditary Cancer Syndrome. Identifiers: Orphanet 140162, MedGen C0027672, MeSH D009386, MONDO:0015356.

Submission:

Ambry Genetics
Classification: Uncertain significance for Hereditary cancer-predisposing syndrome. Last evaluated: 2026-08-24. Review status: criteria provided, single submitter. Criteria: Ambry Variant Classification Scheme 2023. Collection method: clinical testing. Allele origin: germline.
Comment: The p.A1086T variant (also known as c.3256G>A), located in coding exon 23 of the MSH3 gene, results from a G to A substitution at nucleotide position 3256. The alanine at codon 1086 is replaced by threonine, an amino acid with similar properties. This amino acid position is conserved. In addition, this alteration is predicted to be deleterious by in silico analysis. Based on the available evidence, the clinical significance of this variant remains unclear.

NM_002439.5(MSH3):c.3256G>A (p.Ala1086Thr)

Gene: MSH3 (mutS homolog 3; plus strand). Cytogenetic location: 5q14.1.
Variant type: single nucleotide variant.
Coding change: c.3256G>A on transcript NM_002439.5 (MANE Select); coding-DNA position 3256, G replaced by A.
Protein change: p.Ala1086Thr; replaces alanine 1086 with threonine.
Molecular consequence: missense variant.
Genome position (GRCh38, 1-based): chr5:80,873,241, G>A. VCF-style: chr5-80873241-G-A. GRCh37 (hg19) VCF-style: chr5-80169060-G-A.
Other names: short protein forms A1086T.
Identifiers: ClinVar variation 5024834 (VCV005024834.1).